The following is an entry in ClinVar:

ClinVar aggregate classification (germline): Uncertain significance. Review status: criteria provided, multiple submitters, no conflicts (2 of 4 stars). 3 submissions from 3 submitters: Uncertain significance (2). 1 of the submissions does not count toward it. Last evaluated 2025-11-01.

Conditions:
Intellectual disability-microcephaly-strabismus-behavioral abnormalities syndrome. Also called: White-Sutton Syndrome. Identifiers: Orphanet 468678, MedGen C4225351, MONDO:0014606, OMIM 616364.
Autism spectrum disorder. Also called: Autism spectrum disorders. Identifiers: MedGen C1510586, MeSH D000067877, MONDO:0005258.

Allele frequency attached by ClinVar (database versions not stated): gnomAD exomes 0.00001; TOPMed 0.00002; gnomAD 0.00003.
gnomAD v4.1: 24 of 1,614,008 alleles (0.0015%); highest among the groups gnomAD compares: African/African-American, 0.0027%; no homozygotes.

Submissions (3):

CeGaT Center for Human Genetics Tuebingen
Classification: Uncertain significance. Last evaluated: 2025-11-01. Review status: criteria provided, single submitter. Criteria: CeGaT Center For Human Genetics Tuebingen Variant Classification Criteria Version 2. Collection method: clinical testing. Allele origin: germline. Affected: yes. Observed: 1 variant allele.
Comment: POGZ: PM5, BP4

Baylor Genetics
Classification: Uncertain significance for Intellectual disability-microcephaly-strabismus-behavioral abnormalities syndrome. Last evaluated: 2018-09-28. Review status: criteria provided, single submitter. Criteria: ACMG Guidelines, 2015. Collection method: clinical testing. Allele origin: maternal. Affected: yes.
Comment: This variant was determined to be of uncertain significance according to ACMG Guidelines, 2015 [PMID:25741868].

Center of Medical Genetics, Central South University
Classification: association for Autism spectrum disorder. Review status: no assertion criteria provided. Collection method: clinical testing, in vitro. Allele origin: paternal, unknown. Affected: yes. Observed: 2 variant alleles. Not counted in ClinVar's aggregate classification.

NM_015100.4(POGZ):c.1375G>A (p.Asp459Asn)

Gene: POGZ (pogo transposable element derived with ZNF domain; minus strand). Cytogenetic location: 1q21.3.
Variant type: single nucleotide variant.
Coding change: c.1375G>A on transcript NM_015100.4 (MANE Select); coding-DNA position 1375, G replaced by A.
Protein change: p.Asp459Asn; replaces aspartic acid 459 with asparagine.
Molecular consequence: missense variant.
Genome position (GRCh38, 1-based): chr1:151,424,097, C>T on the plus strand (G>A on the coding strand, the complement: POGZ is on the minus strand). VCF-style: chr1-151424097-C-T. GRCh37 (hg19) VCF-style: chr1-151396573-C-T.
Other names: c.1348G>A, p.Asp450Asn (NM_001194937.2); c.1189G>A, p.Asp397Asn (NM_001194938.2); c.1090G>A, p.Asp364Asn (NM_145796.4); c.1216G>A, p.Asp406Asn (NM_207171.2); short protein forms D459N, D397N, D406N, D364N, D450N.
Identifiers: ClinVar variation 560578 (VCV000560578.8), dbSNP rs888864913, ClinGen allele CA29584872.